The following is an entry in ClinVar:

NM_001377295.2(GNAT2):c.720+5G>C

Genes: GNAT2 (G protein subunit alpha transducin 2; minus strand), LOC129388577 (MPRA-validated peak357 silencer; plus strand). Cytogenetic location: 1p13.3.
Variant type: single nucleotide variant.
Coding change: c.720+5G>C on transcript NM_001377295.2 (MANE Select); 5 bases into the intron after coding-DNA position 720, G replaced by C.
Molecular consequence: intron variant.
Genome position (GRCh38, 1-based): chr1:109,605,965, C>G on the plus strand (G>C on the coding strand, the complement: GNAT2 is on the minus strand). VCF-style: chr1-109605965-C-G. GRCh37 (hg19) VCF-style: chr1-110148587-C-G.
Other names: c.720+5G>C (NM_001379232.1, NM_005272.5).
Identifiers: ClinVar variation 450369 (VCV000450369.2), dbSNP rs1553226581, ClinGen allele CA658656951.
Genomic context (GRCh38, chr1:109,605,965, plus strand): 5'-GCTTAGAGAAAGGGTCATGGGGAGAACTTGTTCTACCAAAGCTGCTTGATGCAAAGGCCA[C>G]TCACCACTTCGTCATCTTCCACCAGCACCATATCATAGGCACTGAGGGCTGCACAGAAAA-3'

ClinVar aggregate classification (germline): Likely pathogenic (1 of 4 stars; one submission).

Allele frequency attached by ClinVar (database versions not stated): gnomAD exomes below 0.00001.
gnomAD v4.1: 1 of 1,613,408 alleles (0.000062%); highest among the groups gnomAD compares: Middle Eastern, 0.017%; no homozygotes.

Submission:

GeneDx
Classification: Likely pathogenic. Last evaluated: 2017-07-14. Review status: criteria provided, single submitter. Criteria: GeneDx Variant Classification (06012015). Collection method: clinical testing. Allele origin: germline. Affected: yes.
Comment: The c.720+5G>C variant in the GNAT2 gene has not been reported previously as a pathogenic variant nor as a benign variant, to our knowledge. This variant reduces the quality of the splice donor site in intron 6, and is expected to cause abnormal gene splicing. The c.720+5G>C variant is not observed in large population cohorts (Lek et al., 2016; 1000 Genomes Consortium et al., 2015; Exome Variant Server). We interpret c.720+5G>C as a likely pathogenic variant.